The following is an entry in ClinVar:

NM_004655.4(AXIN2):c.652C>T (p.Leu218=)

Gene: AXIN2 (axin 2; minus strand). Cytogenetic location: 17q24.1.
Variant type: single nucleotide variant.
Coding change: c.652C>T on transcript NM_004655.4 (MANE Select); coding-DNA position 652, C replaced by T.
Protein change: p.Leu218=; no amino-acid change (leucine 218 retained).
Molecular consequence: synonymous variant.
Genome position (GRCh38, 1-based): chr17:65,557,969, G>A on the plus strand (C>T on the coding strand, the complement: AXIN2 is on the minus strand). VCF-style: chr17-65557969-G-A. GRCh37 (hg19) VCF-style: chr17-63554087-G-A.
Other names: c.652C>T, p.Leu218= (NM_001363813.1).
Identifiers: ClinVar variation 1089050 (VCV001089050.13), dbSNP rs766935285, ClinGen allele CA8719012.

ClinVar aggregate classification (germline): Benign/Likely benign. Review status: criteria provided, multiple submitters, no conflicts (2 of 4 stars). 3 submissions from 3 submitters: Benign (1); Likely benign (2). Last evaluated 2026-01-11.

Conditions:
Hereditary cancer-predisposing syndrome. Also called: Hereditary Cancer Syndrome; Neoplastic Syndromes, Hereditary; Hereditary neoplastic syndrome; Tumor predisposition. Identifiers: Orphanet 140162, MedGen C0027672, MeSH D009386, MONDO:0015356.
Oligodontia-cancer predisposition syndrome. Also called: TOOTH AGENESIS-COLORECTAL CANCER SYNDROME. Identifiers: Orphanet 300576, MedGen C1837750, MONDO:0012075, OMIM 608615. Disease mechanism: loss of function.

Submissions (3):

Labcorp Genetics (formerly Invitae), Labcorp
Classification: Likely benign for Oligodontia-cancer predisposition syndrome. Last evaluated: 2026-01-11. Review status: criteria provided, single submitter. Criteria: Invitae Variant Classification Sherloc (09022015). Collection method: clinical testing. Allele origin: germline.

Myriad Genetics, Inc.
Classification: Benign for Oligodontia-cancer predisposition syndrome. Last evaluated: 2024-06-27. Review status: criteria provided, single submitter. Criteria: Myriad Autosomal Dominant, Autosomal Recessive and X-Linked Classification Criteria (2023). Collection method: clinical testing. Allele origin: unknown.
Comment: This variant is considered benign. This variant is a silent/synonymous amino acid change and it is not expected to impact splicing.

Ambry Genetics
Classification: Likely benign for Hereditary cancer-predisposing syndrome. Last evaluated: 2020-11-16. Review status: criteria provided, single submitter. Criteria: Ambry Variant Classification Scheme 2023. Collection method: clinical testing. Allele origin: germline.